The following is an entry in ClinVar:

ClinVar aggregate classification (germline): Uncertain significance (1 of 4 stars; one submission).

Allele frequency attached by ClinVar (database versions not stated): gnomAD exomes below 0.00001; TOPMed below 0.00001; ExAC 0.00001; gnomAD 0.00001.
gnomAD v4.1: 6 of 1,612,982 alleles (0.00037%); highest among the groups gnomAD compares: African/African-American, 0.0013%; no homozygotes.

Submission:

Labcorp Genetics (formerly Invitae), Labcorp
Classification: Uncertain significance. Last evaluated: 2023-12-02. Review status: criteria provided, single submitter. Criteria: Invitae Variant Classification Sherloc (09022015). Collection method: clinical testing. Allele origin: germline.
Comment: This sequence change replaces arginine, which is basic and polar, with histidine, which is basic and polar, at codon 38 of the FGF12 protein (p.Arg38His). This variant is present in population databases (rs779234025, gnomAD 0.003%). This variant has not been reported in the literature in individuals affected with FGF12-related conditions. An algorithm developed to predict the effect of missense changes on protein structure and function (PolyPhen-2) suggests that this variant is likely to be tolerated. In summary, the available evidence is currently insufficient to determine the role of this variant in disease. Therefore, it has been classified as a Variant of Uncertain Significance.

NM_004113.6(FGF12):c.14-47573G>A

Gene: FGF12 (fibroblast growth factor 12; minus strand). Cytogenetic location: 3q28.
Variant type: single nucleotide variant.
Coding change: c.14-47573G>A on transcript NM_004113.6 (MANE Select); 47573 bases into the intron before coding-DNA position 14, G replaced by A.
Molecular consequence: intron variant. On other transcripts: missense variant (1).
Genome position (GRCh38, 1-based): chr3:192,408,111, C>T on the plus strand (G>A on the coding strand, the complement: FGF12 is on the minus strand). VCF-style: chr3-192408111-C-T. GRCh37 (hg19) VCF-style: chr3-192125900-C-T.
Other names: c.113G>A, p.Arg38His (NM_021032.5); c.-59-47573G>A (NM_001377293.1); c.14-72647G>A (NM_001377292.1); c.-60+1401G>A (NM_001377294.1); short protein forms R38H.
Identifiers: ClinVar variation 2919838 (VCV002919838.3), dbSNP rs779234025, ClinGen allele CA2755898.